The following is an entry in ClinVar:

NM_006767.4(LZTR1):c.1952T>C (p.Leu651Pro)

Gene: LZTR1 (leucine zipper like post translational regulator 1; plus strand). Cytogenetic location: 22q11.21.
Variant type: single nucleotide variant.
Coding change: c.1952T>C on transcript NM_006767.4 (MANE Select); coding-DNA position 1952, T replaced by C.
Protein change: p.Leu651Pro; replaces leucine 651 with proline.
Molecular consequence: missense variant.
Genome position (GRCh38, 1-based): chr22:20,995,755, T>C. VCF-style: chr22-20995755-T-C. GRCh37 (hg19) VCF-style: chr22-21350044-T-C.
Other names: short protein forms L651P.
Identifiers: ClinVar variation 1365858 (VCV001365858.9), dbSNP rs2147969203, ClinGen allele CA410778941.

ClinVar aggregate classification (germline): Uncertain significance. Review status: criteria provided, multiple submitters, no conflicts (2 of 4 stars). 2 submissions from 2 submitters: Uncertain significance (2). Last evaluated 2025-11-13.

Conditions:
Hereditary cancer-predisposing syndrome. Also called: Neoplastic Syndromes, Hereditary; Tumor predisposition; Hereditary neoplastic syndrome; Hereditary Cancer Syndrome. Identifiers: Orphanet 140162, MedGen C0027672, MeSH D009386, MONDO:0015356.
Cardiovascular phenotype. Identifiers: MedGen CN230736.

Submissions (2):

Labcorp Genetics (formerly Invitae), Labcorp
Classification: Uncertain significance. Last evaluated: 2025-11-13. Review status: criteria provided, single submitter. Criteria: Invitae Variant Classification Sherloc (09022015). Collection method: clinical testing. Allele origin: germline.
Comment: This sequence change replaces leucine, which is neutral and non-polar, with proline, which is neutral and non-polar, at codon 651 of the LZTR1 protein (p.Leu651Pro). This variant is not present in population databases (gnomAD no frequency). This variant has not been reported in the literature in individuals affected with LZTR1-related conditions. ClinVar contains an entry for this variant (Variation ID: 1365858). Invitae Evidence Modeling of protein sequence and biophysical properties (such as structural, functional, and spatial information, amino acid conservation, physicochemical variation, residue mobility, and thermodynamic stability) indicates that this missense variant is not expected to disrupt LZTR1 protein function with a negative predictive value of 80%. In summary, the available evidence is currently insufficient to determine the role of this variant in disease. Therefore, it has been classified as a Variant of Uncertain Significance.

Ambry Genetics
Classification: Uncertain significance for Cardiovascular phenotype; Hereditary cancer-predisposing syndrome. Last evaluated: 2024-12-04. Review status: criteria provided, single submitter. Criteria: Ambry Variant Classification Scheme 2023. Collection method: clinical testing. Allele origin: germline.
Comment: The p.L651P variant (also known as c.1952T>C), located in coding exon 17 of the LZTR1 gene, results from a T to C substitution at nucleotide position 1952. The leucine at codon 651 is replaced by proline, an amino acid with similar properties. This amino acid position is highly conserved in available vertebrate species. In addition, this alteration is predicted to be deleterious by in silico analysis. Based on the available evidence, the clinical significance of this variant remains unclear.